The following is an entry in ClinVar:

ClinVar aggregate classification (germline): Uncertain significance (1 of 4 stars; one submission).

Conditions:
Candidiasis, familial, 8 (CANDF8). Identifiers: Orphanet 1334, MedGen C3714992, MONDO:0014230, OMIM 615527.

Allele frequency attached by ClinVar (database versions not stated): gnomAD exomes 0.00001; ExAC 0.00002.
gnomAD v4.1: 5 of 1,610,068 alleles (0.00031%); highest among the groups gnomAD compares: Non-Finnish European, 0.00042%; no homozygotes.

Submission:

Labcorp Genetics (formerly Invitae), Labcorp
Classification: Uncertain significance for Candidiasis, familial, 8. Last evaluated: 2020-07-09. Review status: criteria provided, single submitter. Criteria: Invitae Variant Classification Sherloc (09022015). Collection method: clinical testing. Allele origin: germline.
Comment: This variant has not been reported in the literature in individuals with TRAF3IP2-related conditions. Algorithms developed to predict the effect of missense changes on protein structure and function (SIFT, PolyPhen-2, Align-GVGD) all suggest that this variant is likely to be tolerated, but these predictions have not been confirmed by published functional studies and their clinical significance is uncertain. In summary, the available evidence is currently insufficient to determine the role of this variant in disease. Therefore, it has been classified as a Variant of Uncertain Significance. This variant is present in population databases (rs760916707, ExAC 0.005%). This sequence change replaces proline with alanine at codon 355 of the TRAF3IP2 protein (p.Pro355Ala). The proline residue is moderately conserved and there is a small physicochemical difference between proline and alanine.

NM_147686.4(TRAF3IP2):c.1063C>G (p.Pro355Ala)

Genes: TRAF3IP2 (TRAF3 interacting protein 2; minus strand), TRAF3IP2-AS1 (TRAF3IP2 antisense RNA 1; plus strand). Cytogenetic location: 6q21.
Variant type: single nucleotide variant.
Coding change: c.1063C>G on transcript NM_147686.4 (MANE Select); coding-DNA position 1063, C replaced by G.
Protein change: p.Pro355Ala; replaces proline 355 with alanine.
Molecular consequence: missense variant.
Genome position (GRCh38, 1-based): chr6:111,575,781, G>C on the plus strand (C>G on the coding strand, the complement: TRAF3IP2 is on the minus strand). VCF-style: chr6-111575781-G-C. GRCh37 (hg19) VCF-style: chr6-111896984-G-C.
Other names: c.1063C>G, p.Pro355Ala (NM_001164281.3); c.1090C>G, p.Pro364Ala (NM_147200.3); short protein forms P355A, P364A.
Identifiers: ClinVar variation 1022809 (VCV001022809.8), dbSNP rs760916707, ClinGen allele CA3963189.
Genomic context (GRCh38, chr6:111,575,781, plus strand): 5'-GGGACGGAGGCTGGGGAACCTGTGGTCTCAGCTCTGCAGGGCACTCCAAGGACTCCCCAG[G>C]AGCACCAGCTCTATTAGGTGGCTGGTGATGTGGCTGGTCCCTAGAAAGGAATACATTTAC-3'
Protein context (NP_679211.2, residues 345-365): HHQPPNRAGA[Pro355Ala]GESLECPAEL